The following is an entry in ClinVar:

ClinVar aggregate classification (germline): Uncertain significance (1 of 4 stars; one submission).

Conditions:
Pyogenic arthritis-pyoderma gangrenosum-acne syndrome (PAPA). Also called: FAMILIAL RECURRENT ARTHRITIS; PAPA SYNDROME. Identifiers: Orphanet 69126, MedGen C1858361, MONDO:0011462, OMIM 604416.

gnomAD v4.1: 1 of 1,613,624 alleles (0.000062%); highest among the groups gnomAD compares: Non-Finnish European, 0.000085%; no homozygotes.

Submission:

Labcorp Genetics (formerly Invitae), Labcorp
Classification: Uncertain significance for Pyogenic arthritis-pyoderma gangrenosum-acne syndrome. Last evaluated: 2025-09-14. Review status: criteria provided, single submitter. Criteria: Invitae Variant Classification Sherloc (09022015). Collection method: clinical testing. Allele origin: germline.
Comment: This sequence change replaces tryptophan, which is neutral and slightly polar, with serine, which is neutral and polar, at codon 12 of the PSTPIP1 protein (p.Trp12Ser). This variant is not present in population databases (gnomAD no frequency). This variant has not been reported in the literature in individuals affected with PSTPIP1-related conditions. ClinVar contains an entry for this variant (Variation ID: 2824415). An algorithm developed to predict the effect of missense changes on protein structure and function (PolyPhen-2) suggests that this variant is likely to be disruptive. In summary, the available evidence is currently insufficient to determine the role of this variant in disease. Therefore, it has been classified as a Variant of Uncertain Significance.

NM_003978.5(PSTPIP1):c.35G>C (p.Trp12Ser)

Gene: PSTPIP1 (proline-serine-threonine phosphatase interacting protein 1; plus strand). Cytogenetic location: 15q24.3.
Variant type: single nucleotide variant.
Coding change: c.35G>C on transcript NM_003978.5 (MANE Select); coding-DNA position 35, G replaced by C.
Protein change: p.Trp12Ser; replaces tryptophan 12 with serine.
Molecular consequence: missense variant. On other transcripts: 5 prime UTR variant (1), non-coding transcript variant (1).
Genome position (GRCh38, 1-based): chr15:76,995,608, G>C. VCF-style: chr15-76995608-G-C. GRCh37 (hg19) VCF-style: chr15-77287949-G-C.
Other names: c.35G>C, p.Trp12Ser (NM_001321135.2, NM_001411086.1); c.-212G>C (NM_001321136.2); c.230G>C, p.Trp77Ser (NM_001321137.1); short protein forms W12S, W77S.
Identifiers: ClinVar variation 2824415 (VCV002824415.3), dbSNP rs2542598691, ClinGen allele CA393516209.